The following is an entry in ClinVar:

ClinVar aggregate classification (germline): Likely pathogenic (1 of 4 stars; one submission).

Conditions:
Inflammatory bowel disease 28. Also called: Inflammatory bowel disease 28, early onset, autosomal recessive. Identifiers: Orphanet 238569, MedGen C2751053, MONDO:0013153, OMIM 613148.

Submission:

Laboratorio de Genetica e Diagnostico Molecular, Hospital Israelita Albert Einstein
Classification: Likely pathogenic for Inflammatory bowel disease 28. Last evaluated: 2026-03-18. Review status: criteria provided, single submitter. Criteria: ACMG Guidelines, 2015. Collection method: clinical testing. Allele origin: germline. Affected: yes.
Comment: ACMG classification criteria: PVS1 very strong, PM2 supporting

NM_001558.4(IL10RA):c.127del (p.Leu43fs)

Gene: IL10RA (interleukin 10 receptor subunit alpha; plus strand). Cytogenetic location: 11q23.3.
Variant type: Deletion.
Coding change: c.127del on transcript NM_001558.4 (MANE Select); coding-DNA position 127, one base deleted (C; older notation c.127delC).
Protein change: p.Leu43fs; shifts the reading frame from leucine 43.
Molecular consequence: frameshift variant. On other transcripts: non-coding transcript variant (1).
Genome position (GRCh38, 1-based): chr11:117,988,441, C deleted; the last of 2 consecutive C bases (chr11:117,988,440-117,988,441); deleting either gives the same sequence. VCF-style (leftmost placement, unchanged base first): chr11-117988439-TC-T. GRCh37 (hg19) VCF-style: chr11-117859154-TC-T.
Other names: short protein forms L43fs.
Identifiers: ClinVar variation 4846816 (VCV004846816.1).